The following is an entry in ClinVar:

ClinVar aggregate classification (germline): Uncertain significance (1 of 4 stars; one submission).

Submission:

GeneDx
Classification: Uncertain significance. Last evaluated: 2026-03-13. Review status: criteria provided, single submitter. Criteria: GeneDx Variant Classification Process June 2021. Collection method: clinical testing. Allele origin: germline.
Comment: Not observed at significant frequency in large population cohorts (gnomAD); In silico analysis supports that this missense variant has a deleterious effect on protein structure/function; Has not been previously published as pathogenic or benign to our knowledge

NM_177402.5(SYT2):c.877G>A (p.Glu293Lys)

Gene: SYT2 (synaptotagmin 2; minus strand). Cytogenetic location: 1q32.1.
Variant type: single nucleotide variant.
Coding change: c.877G>A on transcript NM_177402.5 (MANE Select); coding-DNA position 877, G replaced by A.
Protein change: p.Glu293Lys; replaces glutamic acid 293 with lysine.
Molecular consequence: missense variant.
Genome position (GRCh38, 1-based): chr1:202,600,399, C>T on the plus strand (G>A on the coding strand, the complement: SYT2 is on the minus strand). VCF-style: chr1-202600399-C-T. GRCh37 (hg19) VCF-style: chr1-202569527-C-T.
Other names: c.877G>A, p.Glu293Lys (NM_001136504.1); short protein forms E293K.
Identifiers: ClinVar variation 5008868 (VCV005008868.1).